The following is an entry in ClinVar:

ClinVar aggregate classification (germline): Uncertain significance. Review status: criteria provided, multiple submitters, no conflicts (2 of 4 stars). 3 submissions from 3 submitters: Uncertain significance (2). 1 of the submissions does not count toward it. Last evaluated 2022-08-16.

Conditions:
Long chain 3-hydroxyacyl-CoA dehydrogenase deficiency. Also called: Deficiency of long-chain 3-hydroxyacyl-coenzyme A dehydrogenase; LCHAD Deficiency. Identifiers: Orphanet 5, MedGen C3711645, MONDO:0012173, OMIM 609016.
Mitochondrial trifunctional protein deficiency. Identifiers: Orphanet 746, MedGen C1969443, MONDO:0012172.

Allele frequency attached by ClinVar (database versions not stated): gnomAD 0.00001; TOPMed 0.00003; ExAC 0.00004; gnomAD exomes 0.00004 and 0.00008.
gnomAD v4.1: 61 of 1,576,410 alleles (0.0039%); highest among the groups gnomAD compares: Admixed American, 0.0055%; no homozygotes.

Submissions (3):

Labcorp Genetics (formerly Invitae), Labcorp
Classification: Uncertain significance for Mitochondrial trifunctional protein deficiency; Long chain 3-hydroxyacyl-CoA dehydrogenase deficiency. Last evaluated: 2022-08-16. Review status: criteria provided, single submitter. Criteria: Invitae Variant Classification Sherloc (09022015). Collection method: clinical testing. Allele origin: germline.
Comment: This sequence change falls in intron 1 of the HADHA gene. It does not directly change the encoded amino acid sequence of the HADHA protein. It affects a nucleotide within the consensus splice site. This variant is present in population databases (rs759265828, gnomAD 0.02%). This variant has not been reported in the literature in individuals affected with HADHA-related conditions. ClinVar contains an entry for this variant (Variation ID: 969155). Variants that disrupt the consensus splice site are a relatively common cause of aberrant splicing (PMID: 17576681, 9536098). Algorithms developed to predict the effect of sequence changes on RNA splicing suggest that this variant is not likely to affect RNA splicing. In summary, the available evidence is currently insufficient to determine the role of this variant in disease. Therefore, it has been classified as a Variant of Uncertain Significance.

Fulgent Genetics
Classification: Uncertain significance for Mitochondrial trifunctional protein deficiency 1; Long chain 3-hydroxyacyl-CoA dehydrogenase deficiency. Last evaluated: 2021-10-11. Review status: criteria provided, single submitter. Criteria: ACMG Guidelines, 2015. Collection method: clinical testing. Allele origin: unknown.

Natera, Inc.
Classification: Uncertain significance for Deficiency of long-chain 3-hydroxyacyl-coenzyme A dehydrogenase. Last evaluated: 2020-02-21. Review status: no assertion criteria provided. Collection method: clinical testing. Allele origin: germline. Not counted in ClinVar's aggregate classification.

Literature cited by the submitters: PubMed 17576681 (cited by Labcorp Genetics (formerly Invitae), Labcorp); PubMed 9536098 (cited by Labcorp Genetics (formerly Invitae), Labcorp).

NM_000182.5(HADHA):c.67+3G>A

Genes: HADHA (hydroxyacyl-CoA dehydrogenase trifunctional multienzyme complex subunit alpha; minus strand), HADHB (hydroxyacyl-CoA dehydrogenase trifunctional multienzyme complex subunit beta; plus strand). Cytogenetic location: 2p23.3.
Variant type: single nucleotide variant.
Coding change: c.67+3G>A on transcript NM_000182.5 (MANE Select); 3 bases into the intron after coding-DNA position 67, G replaced by A.
Molecular consequence: intron variant.
Genome position (GRCh38, 1-based): chr2:26,244,527, C>T on the plus strand (G>A on the coding strand, the complement: HADHA is on the minus strand). VCF-style: chr2-26244527-C-T. GRCh37 (hg19) VCF-style: chr2-26467395-C-T.
Identifiers: ClinVar variation 969155 (VCV000969155.5), dbSNP rs759265828, ClinGen allele CA1560008.